The following is an entry in ClinVar:

ClinVar aggregate classification (germline): Uncertain significance (1 of 4 stars; one submission).

Conditions:
Epidermolysis bullosa simplex with nail dystrophy (EBS5D). Identifiers: MedGen C4225309, MONDO:0014661, OMIM 616487.
Epidermolysis bullosa simplex 5C, with pyloric atresia (EBS5C). Also called: Epidermolysis bullosa simplex with pyloric atresia; PLEC-Related Epidermolysis Bullosa with Pyloric Atresia; PLEC1-Related Epidermolysis Bullosa with Pyloric Atresia. Identifiers: Orphanet 158684, MedGen C2677349, MONDO:0012807, OMIM 612138.
Autosomal recessive limb-girdle muscular dystrophy type 2Q (LGMDR17). Also called: MUSCULAR DYSTROPHY, LIMB-GIRDLE, AUTOSOMAL RECESSIVE 17. Identifiers: Orphanet 254361, MedGen C3150989, MONDO:0013390, OMIM 613723.
Epidermolysis bullosa simplex 5B, with muscular dystrophy (EBS5B). Also called: Epidermolysis bullosa simplex with muscular dystrophy; EPIDERMOLYSIS BULLOSA SIMPLEX AND LIMB-GIRDLE MUSCULAR DYSTROPHY. Identifiers: Orphanet 257, MedGen C2931072, MONDO:0009181, OMIM 226670.
Epidermolysis bullosa simplex, Ogna type (EBS5A). Also called: Pidermolysis bullosa simplex 5A, Ogna type; EPIDERMOLYSIS BULLOSA SIMPLEX 5A, OGNA TYPE. Identifiers: Orphanet 79401, MedGen C0432317, MONDO:0007555, OMIM 131950.

Allele frequency attached by ClinVar (database versions not stated): gnomAD 0.00001; gnomAD exomes 0.00001; TOPMed 0.00003.
gnomAD v4.1: 4 of 1,568,226 alleles (0.00026%); highest among the groups gnomAD compares: Admixed American, 0.0018%; no homozygotes.

Submission:

Labcorp Genetics (formerly Invitae), Labcorp
Classification: Uncertain significance for Autosomal recessive limb-girdle muscular dystrophy type 2Q; Epidermolysis bullosa simplex, Ogna type; Epidermolysis bullosa simplex with nail dystrophy; Epidermolysis bullosa simplex 5C, with pyloric atresia; Epidermolysis bullosa simplex 5B, with muscular dystrophy. Last evaluated: 2024-10-15. Review status: criteria provided, single submitter. Criteria: Invitae Variant Classification Sherloc (09022015). Collection method: clinical testing. Allele origin: germline.
Comment: This sequence change replaces alanine, which is neutral and non-polar, with valine, which is neutral and non-polar, at codon 2080 of the PLEC protein (p.Ala2080Val). This variant is not present in population databases (gnomAD no frequency). This variant has not been reported in the literature in individuals affected with PLEC-related conditions. ClinVar contains an entry for this variant (Variation ID: 2142725). An algorithm developed to predict the effect of missense changes on protein structure and function (PolyPhen-2) suggests that this variant is likely to be disruptive. In summary, the available evidence is currently insufficient to determine the role of this variant in disease. Therefore, it has been classified as a Variant of Uncertain Significance.

NM_201384.3(PLEC):c.6158C>T (p.Ala2053Val)

Gene: PLEC (plectin; minus strand). Cytogenetic location: 8q24.3.
Variant type: single nucleotide variant.
Coding change: c.6158C>T on transcript NM_201384.3 (MANE Select); coding-DNA position 6158, C replaced by T.
Protein change: p.Ala2053Val; replaces alanine 2053 with valine.
Molecular consequence: missense variant.
Genome position (GRCh38, 1-based): chr8:143,923,771, G>A on the plus strand (C>T on the coding strand, the complement: PLEC is on the minus strand). VCF-style: chr8-143923771-G-A. GRCh37 (hg19) VCF-style: chr8-144997939-G-A.
Other names: c.6239C>T, p.Ala2080Val (NM_000445.5); c.6116C>T, p.Ala2039Val (NM_201378.4); c.6092C>T, p.Ala2031Val (NM_201379.3); c.6569C>T, p.Ala2190Val (NM_201380.4); c.6062C>T, p.Ala2021Val (NM_201381.3); c.6158C>T, p.Ala2053Val (NM_201382.4); c.6170C>T, p.Ala2057Val (NM_201383.3); short protein forms A2053V, A2057V, A2021V, A2031V, A2039V, A2080V, A2190V.
Identifiers: ClinVar variation 2142725 (VCV002142725.4), dbSNP rs1316127379, ClinGen allele CA372538538.